The following is an entry in ClinVar:

ClinVar aggregate classification (germline): Uncertain significance (1 of 4 stars; one submission).

Conditions:
Early-infantile DEE. Also called: Early infantile epileptic encephalopathy with suppression bursts; Early infantile epileptic encephalopathy; Ohtahara syndrome. Identifiers: Orphanet 1934, MedGen C0393706, MONDO:0800491.

gnomAD v4.1: 1 of 1,613,698 alleles (0.000062%); highest among the groups gnomAD compares: Non-Finnish European, 0.000085%; no homozygotes.

Submission:

Labcorp Genetics (formerly Invitae), Labcorp
Classification: Uncertain significance for Early-infantile DEE. Last evaluated: 2024-02-10. Review status: criteria provided, single submitter. Criteria: Invitae Variant Classification Sherloc (09022015). Collection method: clinical testing. Allele origin: germline.
Comment: This sequence change replaces proline, which is neutral and non-polar, with histidine, which is basic and polar, at codon 259 of the ARHGEF15 protein (p.Pro259His). This variant is not present in population databases (gnomAD no frequency). This variant has not been reported in the literature in individuals affected with ARHGEF15-related conditions. An algorithm developed to predict the effect of missense changes on protein structure and function (PolyPhen-2) suggests that this variant is likely to be disruptive. In summary, the available evidence is currently insufficient to determine the role of this variant in disease. Therefore, it has been classified as a Variant of Uncertain Significance.

NM_173728.4(ARHGEF15):c.776C>A (p.Pro259His)

Gene: ARHGEF15 (Rho guanine nucleotide exchange factor 15; plus strand). Cytogenetic location: 17p13.1.
Variant type: single nucleotide variant.
Coding change: c.776C>A on transcript NM_173728.4 (MANE Select); coding-DNA position 776, C replaced by A.
Protein change: p.Pro259His; replaces proline 259 with histidine.
Molecular consequence: missense variant.
Genome position (GRCh38, 1-based): chr17:8,313,096, C>A. VCF-style: chr17-8313096-C-A. GRCh37 (hg19) VCF-style: chr17-8216414-C-A.
Other names: c.776C>A, p.Pro259His (NM_025014.2); short protein forms P259H.
Identifiers: ClinVar variation 3631796 (VCV003631796.2).